The following is an entry in ClinVar:

ClinVar aggregate classification (germline): Uncertain significance. Review status: criteria provided, multiple submitters, no conflicts (2 of 4 stars). 3 submissions from 3 submitters: Uncertain significance (3). Last evaluated 2025-11-26.

Conditions:
Hereditary cancer-predisposing syndrome. Also called: Neoplastic Syndromes, Hereditary; Tumor predisposition; Hereditary neoplastic syndrome; Hereditary Cancer Syndrome. Identifiers: Orphanet 140162, MedGen C0027672, MeSH D009386, MONDO:0015356.
Colorectal cancer. Also called: Colorectal cancer, somatic; Malignant Colorectal Neoplasm. Identifiers: MedGen C0346629, MONDO:0005575, OMIM 114500.
Oligodontia-cancer predisposition syndrome. Also called: TOOTH AGENESIS-COLORECTAL CANCER SYNDROME. Identifiers: Orphanet 300576, MedGen C1837750, MONDO:0012075, OMIM 608615. Disease mechanism: loss of function.

Submissions (3):

Labcorp Genetics (formerly Invitae), Labcorp
Classification: Uncertain significance for Oligodontia-cancer predisposition syndrome. Last evaluated: 2025-11-26. Review status: criteria provided, single submitter. Criteria: Invitae Variant Classification Sherloc (09022015). Collection method: clinical testing. Allele origin: germline.
Comment: This sequence change replaces serine, which is neutral and polar, with proline, which is neutral and non-polar, at codon 376 of the AXIN2 protein (p.Ser376Pro). This variant is not present in population databases (gnomAD no frequency). This variant has not been reported in the literature in individuals affected with AXIN2-related conditions. ClinVar contains an entry for this variant (Variation ID: 641890). Invitae Evidence Modeling of protein sequence and biophysical properties (such as structural, functional, and spatial information, amino acid conservation, physicochemical variation, residue mobility, and thermodynamic stability) indicates that this missense variant is not expected to disrupt AXIN2 protein function with a negative predictive value of 80%. In summary, the available evidence is currently insufficient to determine the role of this variant in disease. Therefore, it has been classified as a Variant of Uncertain Significance.

Baylor Genetics
Classification: Uncertain significance for Colorectal cancer. Last evaluated: 2024-03-11. Review status: criteria provided, single submitter. Criteria: ACMG Guidelines, 2015. Collection method: clinical testing. Allele origin: unknown.

Ambry Genetics
Classification: Uncertain significance for Hereditary cancer-predisposing syndrome. Last evaluated: 2023-04-09. Review status: criteria provided, single submitter. Criteria: Ambry Variant Classification Scheme 2023. Collection method: clinical testing. Allele origin: germline.
Comment: The p.S376P variant (also known as c.1126T>C), located in coding exon 4 of the AXIN2 gene, results from a T to C substitution at nucleotide position 1126. The serine at codon 376 is replaced by proline, an amino acid with similar properties. This amino acid position is conserved. In addition, the in silico prediction for this alteration is inconclusive. Since supporting evidence is limited at this time, the clinical significance of this alteration remains unclear.

NM_004655.4(AXIN2):c.1126T>C (p.Ser376Pro)

Gene: AXIN2 (axin 2; minus strand). Cytogenetic location: 17q24.1.
Variant type: single nucleotide variant.
Coding change: c.1126T>C on transcript NM_004655.4 (MANE Select); coding-DNA position 1126, T replaced by C.
Protein change: p.Ser376Pro; replaces serine 376 with proline.
Molecular consequence: missense variant.
Genome position (GRCh38, 1-based): chr17:65,538,277, A>G on the plus strand (T>C on the coding strand, the complement: AXIN2 is on the minus strand). VCF-style: chr17-65538277-A-G. GRCh37 (hg19) VCF-style: chr17-63534395-A-G.
Other names: c.1126T>C (LRG_296t1); c.1126T>C, p.Ser376Pro (NM_001363813.1); short protein forms S376P.
Identifiers: ClinVar variation 641890 (VCV000641890.11), dbSNP rs1598100954, ClinGen allele CA400678378.